The following is an entry in ClinVar:

NM_001042492.3(NF1):c.4507A>C (p.Asn1503His)

Gene: NF1 (neurofibromin 1; plus strand). Cytogenetic location: 17q11.2.
Variant type: single nucleotide variant.
Coding change: c.4507A>C on transcript NM_001042492.3 (MANE Select); coding-DNA position 4507, A replaced by C.
Protein change: p.Asn1503His; replaces asparagine 1503 with histidine.
Molecular consequence: missense variant.
Genome position (GRCh38, 1-based): chr17:31,260,445, A>C. VCF-style: chr17-31260445-A-C. GRCh37 (hg19) VCF-style: chr17-29587463-A-C.
Other names: c.4444A>C, p.Asn1482His (NM_000267.4); short protein forms N1482H, N1503H.
Identifiers: ClinVar variation 480196 (VCV000480196.21), dbSNP rs1555618837, ClinGen allele CA398999577.

ClinVar aggregate classification (germline): Conflicting classifications of pathogenicity. Review status: criteria provided, conflicting classifications (1 of 4 stars). 8 submissions from 8 submitters: Uncertain significance (7); Likely benign (1). Last evaluated 2026-01-05.

Conditions:
NF1-related disorder. Also called: NF1-related condition. Identifiers: MedGen CN379171.
Cardiovascular phenotype. Identifiers: MedGen CN230736.
Hereditary cancer-predisposing syndrome. Also called: Hereditary neoplastic syndrome; Neoplastic Syndromes, Hereditary; Tumor predisposition; Hereditary Cancer Syndrome. Identifiers: Orphanet 140162, MedGen C0027672, MeSH D009386, MONDO:0015356.
Juvenile myelomonocytic leukemia (JMML). Also called: LEUKEMIA, JUVENILE MYELOMONOCYTIC, SOMATIC. Identifiers: Orphanet 86834, MedGen C0349639, MONDO:0011908, OMIM 607785, HP:0012209.
Neurofibromatosis, type 1 (NF1). Also called: VON RECKLINGHAUSEN DISEASE; Peripheral type neurofibromatosis; NEUROFIBROMATOSIS, TYPE I, SOMATIC; Neurofibromatosis, type I. Identifiers: Orphanet 636, MedGen C0027831, MONDO:0018975, OMIM 162200. Disease mechanism: loss of function.

Allele frequency attached by ClinVar (database versions not stated): gnomAD exomes 0.00001.
gnomAD v4.1: 4 of 1,614,076 alleles (0.00025%); highest among the groups gnomAD compares: Non-Finnish European, 0.00034%; no homozygotes.

Submissions (8):

Labcorp Genetics (formerly Invitae), Labcorp
Classification: Likely benign for Neurofibromatosis, type 1. Last evaluated: 2026-01-05. Review status: criteria provided, single submitter. Criteria: Invitae Variant Classification Sherloc (09022015). Collection method: clinical testing. Allele origin: germline.

Ambry Genetics
Classification: Uncertain significance for Cardiovascular phenotype; Hereditary cancer-predisposing syndrome. Last evaluated: 2024-03-01. Review status: criteria provided, single submitter. Criteria: Ambry Variant Classification Scheme 2023. Collection method: clinical testing. Allele origin: germline.
Comment: The p.N1482H variant (also known as c.4444A>C), located in coding exon 33 of the NF1 gene, results from an A to C substitution at nucleotide position 4444. The asparagine at codon 1482 is replaced by histidine, an amino acid with similar properties. This amino acid position is highly conserved in available vertebrate species. In addition, the in silico prediction for this alteration is inconclusive. Based on the available evidence, the clinical significance of this alteration remains unclear.

Women's Health and Genetics/Laboratory Corporation of America, LabCorp
Classification: Uncertain significance. Last evaluated: 2023-11-03. Review status: criteria provided, single submitter. Criteria: LabCorp Variant Classification Summary - May 2015. Collection method: clinical testing. Allele origin: germline.
Comment: Variant summary: NF1 c.4444A>C (p.Asn1482His) results in a conservative amino acid change located in the Ras GTPase-activating domain (IPR001936) of the encoded protein sequence. Four of five in-silico tools predict a damaging effect of the variant on protein function. The variant was absent in 251316 control chromosomes. The available data on variant occurrences in the general population are insufficient to allow any conclusion about variant significance. To our knowledge, no occurrence of c.4444A>C in individuals affected with Neurofibromatosis Type 1 and no experimental evidence demonstrating its impact on protein function have been reported. Five submitters have cited clinical-significance assessments for this variant to ClinVar after 2014. All submitters classified the variant as uncertain significance. Based on the evidence outlined above, the variant was classified as uncertain significance.

PreventionGenetics, part of Exact Sciences
Classification: Uncertain significance for NF1-related condition. Last evaluated: 2023-08-21. Review status: criteria provided, single submitter. Criteria: ACMG Guidelines, 2015. Collection method: clinical testing. Allele origin: germline.
Comment: The NF1 c.4507A>C variant is predicted to result in the amino acid substitution p.Asn1503His. To our knowledge, this variant has not been reported in the literature or in a large population database, indicating this variant is rare. At this time, the clinical significance of this variant is uncertain due to the absence of conclusive functional and genetic evidence.

Baylor Genetics
Classification: Uncertain significance for Juvenile myelomonocytic leukemia. Last evaluated: 2023-05-30. Review status: criteria provided, single submitter. Criteria: ACMG Guidelines, 2015. Collection method: clinical testing. Allele origin: unknown.

GeneDx
Classification: Uncertain significance. Last evaluated: 2022-11-03. Review status: criteria provided, single submitter. Criteria: GeneDx Variant Classification Process June 2021. Collection method: clinical testing. Allele origin: germline. Affected: yes.
Comment: Not observed at significant frequency in large population cohorts (gnomAD); In silico analysis supports that this missense variant has a deleterious effect on protein structure/function; Has not been previously published as pathogenic or benign to our knowledge; This variant is associated with the following publications: (PMID: 22807134)

Genome-Nilou Lab
Classification: Uncertain significance for Neurofibromatosis, type 1. Last evaluated: 2022-03-15. Review status: criteria provided, single submitter. Criteria: ACMG Guidelines, 2015. Collection method: clinical testing. Allele origin: germline. Affected: no.

Genome Diagnostics Laboratory, The Hospital for Sick Children
Classification: Uncertain significance for Neurofibromatosis, type 1. Last evaluated: 2020-10-26. Review status: criteria provided, single submitter. Criteria: ACMG Guidelines, 2015. Collection method: clinical testing. Allele origin: germline. Affected: yes.

Literature cited by the submitters: PubMed 10678181 (cited by Women's Health and Genetics/Laboratory Corporation of America, LabCorp); PubMed 23460398 (cited by Women's Health and Genetics/Laboratory Corporation of America, LabCorp); PubMed 29872168 (cited by Women's Health and Genetics/Laboratory Corporation of America, LabCorp); PubMed 27069254 (cited by Women's Health and Genetics/Laboratory Corporation of America, LabCorp).